The following is an entry in ClinVar:

NM_002834.5(PTPN11):c.178G>C (p.Gly60Arg)

Gene: PTPN11 (protein tyrosine phosphatase non-receptor type 11; plus strand). Cytogenetic location: 12q24.13.
Variant type: single nucleotide variant.
Coding change: c.178G>C on transcript NM_002834.5 (MANE Select); coding-DNA position 178, G replaced by C.
Protein change: p.Gly60Arg; replaces glycine 60 with arginine.
Molecular consequence: missense variant.
Genome position (GRCh38, 1-based): chr12:112,450,358, G>C. VCF-style: chr12-112450358-G-C. GRCh37 (hg19) VCF-style: chr12-112888162-G-C.
Other names: c.178G>C, p.Gly60Arg (NM_001330437.2, NM_080601.3); c.175G>C, p.Gly59Arg (NM_001374625.1); short protein forms G60R, G59R.
Identifiers: ClinVar variation 372590 (VCV000372590.7), dbSNP rs397507507, ClinGen allele CA16042862.

ClinVar aggregate classification (germline): Conflicting classifications of pathogenicity. Review status: criteria provided, conflicting classifications (1 of 4 stars). 4 submissions from 4 submitters: Pathogenic (1); Likely pathogenic (2); Uncertain significance (1). Last evaluated 2025-06-19.

Conditions:
RASopathy. Also called: rasopathies; Noonan spectrum disorder. Identifiers: Orphanet 536391, MedGen C5555857, MONDO:0021060.

Submissions (4):

Dasa
Classification: Likely pathogenic. Last evaluated: 2025-06-19. Review status: criteria provided, single submitter. Criteria: DASA Assertion Criteria. Collection method: clinical testing. Allele origin: germline.
Comment: NM_002834.5(PTPN11):c.178G>C (p.Gly60Arg) is a missense variant that results in the substitution of glycine with arginine. The affected residue or protein region has prior evidence supporting clinical relevance. This variant has been recurrently observed in individuals with PTPN11-related disorders (PMID: 30018082; PMID: 15928039). Also, this variant is absent from population databases. Computational evidence supports a deleterious effect. Based on the currently available evidence, this variant is classified as likely pathogenic.

Labcorp Genetics (formerly Invitae), Labcorp
Classification: Uncertain significance for RASopathy. Last evaluated: 2025-06-03. Review status: criteria provided, single submitter. Criteria: Invitae Variant Classification Sherloc (09022015). Collection method: clinical testing. Allele origin: germline.
Comment: This sequence change replaces glycine, which is neutral and non-polar, with arginine, which is basic and polar, at codon 60 of the PTPN11 protein (p.Gly60Arg). This variant is not present in population databases (gnomAD no frequency). This missense change has been observed in individual(s) with juvenile myelomonocytic leukemia (PMID: 23832011, 25097206). ClinVar contains an entry for this variant (Variation ID: 372590). Invitae Evidence Modeling of protein sequence and biophysical properties (such as structural, functional, and spatial information, amino acid conservation, physicochemical variation, residue mobility, and thermodynamic stability) indicates that this missense variant is expected to disrupt PTPN11 protein function with a positive predictive value of 95%. In summary, the available evidence is currently insufficient to determine the role of this variant in disease. Therefore, it has been classified as a Variant of Uncertain Significance.

Women's Health and Genetics/Laboratory Corporation of America, LabCorp
Classification: Likely pathogenic for RASopathy. Last evaluated: 2021-06-07. Review status: criteria provided, single submitter. Criteria: LabCorp Variant Classification Summary - May 2015. Collection method: clinical testing. Allele origin: germline.
Comment: Variant summary: PTPN11 c.178G>C (p.Gly60Arg) results in a non-conservative amino acid change located in the SH2 domain (IPR000980) of the encoded protein sequence. Five of five in-silico tools predict a damaging effect of the variant on protein function. The variant was absent in 250992 control chromosomes. c.178G>C has been reported in the literature in individuals affected with Juvenile Myelomonocytic Leukemia (JMML) (e.g. Kratz_2005, Loh_2004, Strullu_2014, Streiglitz_2018). These data indicate that the variant is likely to be associated with disease. Other variants affecting the same amino acid residue or nearby residues (e.g. p.N58K, p.G60A, p.G60C, p.G60S, p.D61A, p.D61N) are reported via internal testing and/or in HGMD and ClinVar databases as disease-associated/pathogenic variants for Noonan syndrome, suggesting that this protein region is functionally important. One other clinical diagnostic laboratory has submitted clinical-significance assessments for this variant to ClinVar after 2014, citing the variant as pathogenic. Based on the evidence outlined above, the variant was classified as likely pathogenic.

GeneDx
Classification: Pathogenic. Last evaluated: 2015-03-06. Review status: criteria provided, single submitter. Criteria: GeneDx Variant Classification (06012015). Collection method: clinical testing. Allele origin: germline. Affected: yes.
Comment: The G60R variant has been reported previously is association with juvenile myelomonocytic leukemia (Loh et al., 2004). The G60R variant was not observed in approximately 6,500 individuals of European and African American ancestry in the NHLBI Exome Sequencing Project, indicating it is not a common benign variant in these populations. The G60R variant is a non-conservative amino acid substitution, which is likely to impact secondary protein structure as these residues differ in polarity, charge, size and/or other properties. This substitution occurs at a position that is conserved across species. In silico analysis predicts this variant is probably damaging to the protein structure/function. Missense variants at this residue and in nearby residues (N58K, G60S, G60C, G60V, G60A, D61N, Y62N, Y63C) have been reported in the Human Gene Mutation Database in association with Noonan syndrome (Stenson et al., 2014), supporting the functional importance of this region of the protein. Therefore, G60R is interpreted to be a disease-causing variant

Literature cited by the submitters: PubMed 30018082 (cited by Dasa); PubMed 15928039 (cited by Dasa and Women's Health and Genetics/Laboratory Corporation of America, LabCorp); PubMed 23832011 (cited by Labcorp Genetics (formerly Invitae), Labcorp); PubMed 25097206 (cited by Labcorp Genetics (formerly Invitae), Labcorp and Women's Health and Genetics/Laboratory Corporation of America, LabCorp); PubMed 15385933 (cited by Women's Health and Genetics/Laboratory Corporation of America, LabCorp); PubMed 14644997 (cited by Women's Health and Genetics/Laboratory Corporation of America, LabCorp); PubMed 19047918 (cited by Women's Health and Genetics/Laboratory Corporation of America, LabCorp); PubMed 19179468 (cited by Women's Health and Genetics/Laboratory Corporation of America, LabCorp); PubMed 17972951 (cited by Women's Health and Genetics/Laboratory Corporation of America, LabCorp); PubMed 15710330 (cited by Women's Health and Genetics/Laboratory Corporation of America, LabCorp); PubMed 25395418 (cited by Women's Health and Genetics/Laboratory Corporation of America, LabCorp); PubMed 29533785 (cited by Women's Health and Genetics/Laboratory Corporation of America, LabCorp); PubMed 27276561 (cited by Women's Health and Genetics/Laboratory Corporation of America, LabCorp); PubMed 27069254 (cited by Women's Health and Genetics/Laboratory Corporation of America, LabCorp); PubMed 29437595 (cited by Women's Health and Genetics/Laboratory Corporation of America, LabCorp); PubMed 26457647 (cited by Women's Health and Genetics/Laboratory Corporation of America, LabCorp).